The following is an entry in ClinVar:

NM_001378454.1(ALMS1):c.1642_1643del (p.Leu547_Thr548insTer)

Gene: ALMS1 (ALMS1 centrosome and basal body associated protein; plus strand). Cytogenetic location: 2p13.1.
Variant type: Deletion.
Coding change: c.1642_1643del on transcript NM_001378454.1 (MANE Select); coding-DNA positions 1642 to 1643, 2 bases deleted (AC; older notation c.1642_1643delAC).
Protein change: p.Leu547_Thr548insTer.
Molecular consequence: nonsense.
Genome position (GRCh38, 1-based): chr2:73,448,169-73,448,170, AC deleted. VCF-style (leftmost placement, unchanged base first): chr2-73448168-AAC-A. GRCh37 (hg19) VCF-style: chr2-73675295-AAC-A.
Other names: c.1645_1646del, p.Leu548_Thr549insTer (NM_015120.4).
Identifiers: ClinVar variation 4852253 (VCV004852253.1).

ClinVar aggregate classification (germline): Likely pathogenic (1 of 4 stars; one submission).

Conditions:
Alstrom syndrome (ALMS). Identifiers: Orphanet 64, MedGen C0268425, MONDO:0008763, OMIM 203800.

Submission:

Variantyx, Inc.
Classification: Likely pathogenic for Alstrom syndrome. Last evaluated: 2025-04-30. Review status: criteria provided, single submitter. Criteria: Variantyx Assertion Criteria 2022. Collection method: clinical testing. Allele origin: germline. Inheritance: Autosomal recessive inheritance. Affected: yes.
Comment: This is a frameshift variant in the ALMS1 gene (OMIM: 606844). Pathogenic variants in this gene have been associated with autosomal recessive Alstrom syndrome. This variant introduces a premature termination codon in exon 8 out of 23and is expected to result in loss of function, which is a known disease mechanism for ALMS1 in this disorder (PMID: 17594715) (PVS1). This variant has a 0.0001% maximum allele frequency in non-founder control populations (PM2), and it has not been reported in individuals with ALMS1-related disorders in the databases available for review. Based on the current evidence, this variant is classified as pathogenic for autosomal recessive Alstrom syndrome.

Literature cited by the submitters: PubMed 17594715.